The following is an entry in ClinVar:

ClinVar aggregate classification (germline): Uncertain significance (1 of 4 stars; one submission).

Conditions:
Xq28 related immunodeficiency.

Submission:

Undiagnosed Diseases Network, NIH
Classification: Uncertain significance for Xq28 related immunodeficiency. Last evaluated: 2024-02-03. Review status: criteria provided, single submitter. Criteria: ACMG Guidelines, 2015. Collection method: clinical testing. Allele origin: maternal. Affected: yes. Observed: 1 variant allele, 1 hemizygote. Study: Undiagnosed Diseases Network (NIH), UDN.
Comment: An overlapping deletion has been described in individual with immunodeficiency (PMID:16781893). This variant has not been observed in gnomAD.

NC_000023.11:g.153926571_153929391del

Genes: NAA10 (N-alpha-acetyltransferase 10, NatA catalytic subunit; minus strand), LOC130068838 (ATAC-STARR-seq lymphoblastoid silent region 21073; plus strand), LOC130068839 (ATAC-STARR-seq lymphoblastoid silent region 21074; plus strand). Cytogenetic location: Xq28.
Variant type: Deletion.
Genome position: GRCh38: chrX:153,926,571-153,929,391. GRCh37 (hg19): chrX:153,192,025-153,194,844.
Identifiers: ClinVar variation 4277374 (VCV004277374.1).